The following is an entry in ClinVar:

NM_000098.3(CPT2):c.29G>C (p.Trp10Ser)

Genes: CPT2 (carnitine palmitoyltransferase 2; plus strand), LOC129930561 (ATAC-STARR-seq lymphoblastoid silent region 902; plus strand). Cytogenetic location: 1p32.3.
Variant type: single nucleotide variant.
Coding change: c.29G>C on transcript NM_000098.3 (MANE Select); coding-DNA position 29, G replaced by C.
Protein change: p.Trp10Ser; replaces tryptophan 10 with serine.
Molecular consequence: missense variant.
Genome position (GRCh38, 1-based): chr1:53,196,972, G>C. VCF-style: chr1-53196972-G-C. GRCh37 (hg19) VCF-style: chr1-53662644-G-C.
Other names: c.29G>C, p.Trp10Ser (NM_001330589.2); short protein forms W10S.
Identifiers: ClinVar variation 2102859 (VCV002102859.4), dbSNP rs2525557943, ClinGen allele CA340388600.

ClinVar aggregate classification (germline): Uncertain significance (1 of 4 stars; one submission).

Conditions:
Carnitine palmitoyltransferase II deficiency. Also called: Carnitine Palmitoyltransferase 2 Deficiency. Identifiers: Orphanet 157, MedGen C0342790, MONDO:0015515.

Allele frequency attached by ClinVar (database versions not stated): gnomAD exomes below 0.00001.

Submission:

Labcorp Genetics (formerly Invitae), Labcorp
Classification: Uncertain significance for Carnitine palmitoyltransferase II deficiency. Last evaluated: 2022-02-24. Review status: criteria provided, single submitter. Criteria: Invitae Variant Classification Sherloc (09022015). Collection method: clinical testing. Allele origin: germline.
Comment: This sequence change replaces tryptophan, which is neutral and slightly polar, with serine, which is neutral and polar, at codon 10 of the CPT2 protein (p.Trp10Ser). This variant is not present in population databases (gnomAD no frequency). This variant has not been reported in the literature in individuals affected with CPT2-related conditions. Advanced modeling of protein sequence and biophysical properties (such as structural, functional, and spatial information, amino acid conservation, physicochemical variation, residue mobility, and thermodynamic stability) performed at Invitae indicates that this missense variant is not expected to disrupt CPT2 protein function. In summary, the available evidence is currently insufficient to determine the role of this variant in disease. Therefore, it has been classified as a Variant of Uncertain Significance.